The following is an entry in ClinVar:

NM_016734.3(PAX5):c.449C>T (p.Pro150Leu)

Genes: PAX5 (paired box 5; minus strand), LOC105376032 (uncharacterized LOC105376032; plus strand). Cytogenetic location: 9p13.2.
Variant type: single nucleotide variant.
Coding change: c.449C>T on transcript NM_016734.3 (MANE Select); coding-DNA position 449, C replaced by T.
Protein change: p.Pro150Leu; replaces proline 150 with leucine.
Molecular consequence: missense variant. On other transcripts: non-coding transcript variant (2).
Genome position (GRCh38, 1-based): chr9:37,006,499, G>A on the plus strand (C>T on the coding strand, the complement: PAX5 is on the minus strand). VCF-style: chr9-37006499-G-A. GRCh37 (hg19) VCF-style: chr9-37006496-G-A.
Other names: c.449C>T, p.Pro150Leu (NM_001280547.2, NM_001280548.2, NM_001280549.2 and 4 more transcripts); c.125C>T, p.Pro42Leu (NM_001280551.2, NM_001280556.2); c.251C>T, p.Pro84Leu (NM_001280555.2); short protein forms P42L, P150L, P84L.
Identifiers: ClinVar variation 4626967 (VCV004626967.1).

ClinVar aggregate classification (germline): Uncertain significance (1 of 4 stars; one submission).

Conditions:
Inborn genetic diseases. Identifiers: MedGen C0950123, MeSH D030342.

Submission:

Ambry Genetics
Classification: Uncertain significance for Inborn genetic diseases. Last evaluated: 2025-11-24. Review status: criteria provided, single submitter. Criteria: Ambry Variant Classification Scheme 2023. Collection method: clinical testing. Allele origin: germline.
Comment: The p.P150L variant (also known as c.449C>T), located in coding exon 4 of the PAX5 gene, results from a C to T substitution at nucleotide position 449. The proline at codon 150 is replaced by leucine, an amino acid with similar properties. This amino acid position is conserved. In addition, the in silico prediction for this alteration is inconclusive. Based on the available evidence, the clinical significance of this variant remains unclear.